The following is an entry in ClinVar:

ClinVar aggregate classification (germline): Uncertain significance (1 of 4 stars; one submission).

Submission:

GeneDx
Classification: Uncertain significance. Last evaluated: 2024-01-29. Review status: criteria provided, single submitter. Criteria: GeneDx Variant Classification Process June 2021. Collection method: clinical testing. Allele origin: germline. Affected: yes.
Comment: Not observed at significant frequency in large population cohorts (gnomAD); In silico analysis supports that this variant does not alter protein structure/function; Has not been previously published as pathogenic or benign to our knowledge

NM_000322.5(PRPH2):c.910_911delinsGT (p.Gln304Val)

Gene: PRPH2 (peripherin 2; minus strand). Cytogenetic location: 6p21.1.
Variant type: Indel.
Coding change: c.910_911delinsGT on transcript NM_000322.5 (MANE Select); coding-DNA positions 910 to 911, CA replaced by GT.
Protein change: p.Gln304Val; replaces glutamine 304 with valine.
Molecular consequence: missense variant.
Genome position (GRCh38, 1-based): chr6:42,698,425-42,698,426, TG replaced by AC on the plus strand (CA replaced by GT on the coding strand, the reverse complement: PRPH2 is on the minus strand). VCF-style: chr6-42698425-TG-AC. GRCh37 (hg19) VCF-style: chr6-42666163-TG-AC.
Other names: short protein forms Q304V.
Identifiers: ClinVar variation 3368422 (VCV003368422.1).